The following is an entry in ClinVar:

NM_002180.3(IGHMBP2):c.1816C>T (p.Arg606Cys)

Gene: IGHMBP2 (immunoglobulin mu DNA binding protein 2; plus strand). Cytogenetic location: 11q13.3.
Variant type: single nucleotide variant.
Coding change: c.1816C>T on transcript NM_002180.3 (MANE Select); coding-DNA position 1816, C replaced by T.
Protein change: p.Arg606Cys; replaces arginine 606 with cysteine.
Molecular consequence: missense variant.
Genome position (GRCh38, 1-based): chr11:68,936,296, C>T. VCF-style: chr11-68936296-C-T. GRCh37 (hg19) VCF-style: chr11-68703764-C-T.
Other names: short protein forms R606C.
Identifiers: ClinVar variation 882605 (VCV000882605.17), dbSNP rs536556753, ClinGen allele CA223413016.
Genomic context (GRCh38, chr11:68,936,296, plus strand): 5'-GGTGAAGTTGGTTTTCTTGCTGAGGACCGGAGGATCAACGTGGCTGTCACCCGTGCCCGA[C>T]GCCACGTGGCGGTCATCTGTGACTCCCGTACTGTCAACAACCATGCATTTTTGAAGACCC-3'
Protein context (NP_002171.2, residues 596-616): RINVAVTRAR[Arg606Cys]HVAVICDSRT

ClinVar aggregate classification (germline): Uncertain significance. Review status: criteria provided, multiple submitters, no conflicts (2 of 4 stars). 6 submissions from 6 submitters: Uncertain significance (6). Last evaluated 2025-09-10.

Conditions:
Inborn genetic diseases. Identifiers: MedGen C0950123, MeSH D030342.
Autosomal recessive distal spinal muscular atrophy 1. Also called: HMN VI; NEURONOPATHY, SEVERE INFANTILE AXONAL, WITH RESPIRATORY FAILURE; SEVERE INFANTILE AXONAL NEUROPATHY WITH RESPIRATORY FAILURE; SPINAL MUSCULAR ATROPHY, DIAPHRAGMATIC; Spinal muscular atrophy with respiratory distress 1; NEURONOPATHY, DISTAL HEREDITARY MOTOR, HARDING TYPE VI. Identifiers: Orphanet 98920, MedGen C1858517, MONDO:0011436, OMIM 604320.
Charcot-Marie-Tooth disease axonal type 2S. Also called: CHARCOT-MARIE-TOOTH DISEASE, AXONAL, AUTOSOMAL RECESSIVE, TYPE 2S; CHARCOT-MARIE-TOOTH NEUROPATHY, TYPE 2S. Identifiers: Orphanet 443073, MedGen C4015349, MONDO:0014511, OMIM 616155.

Allele frequency attached by ClinVar (database versions not stated): gnomAD 0.00001; TOPMed 0.00003.
gnomAD v4.1: 29 of 1,614,158 alleles (0.0018%); highest among the groups gnomAD compares: African/African-American, 0.004%; no homozygotes.

Submissions (6):

Genomic Medicine Center of Excellence, King Faisal Specialist Hospital and Research Centre
Classification: Uncertain significance for Autosomal recessive distal spinal muscular atrophy 1. Last evaluated: 2025-09-10. Review status: criteria provided, single submitter. Criteria: ACMG Guidelines, 2015. Collection method: clinical testing. Allele origin: germline.

Revvity Omics, Revvity
Classification: Uncertain significance. Last evaluated: 2025-01-23. Review status: criteria provided, single submitter. Criteria: ACMG Guidelines, 2015. Collection method: clinical testing. Allele origin: germline.

Labcorp Genetics (formerly Invitae), Labcorp
Classification: Uncertain significance for Autosomal recessive distal spinal muscular atrophy 1; Charcot-Marie-Tooth disease axonal type 2S. Last evaluated: 2025-01-06. Review status: criteria provided, single submitter. Criteria: Invitae Variant Classification Sherloc (09022015). Collection method: clinical testing. Allele origin: germline.
Comment: This sequence change replaces arginine, which is basic and polar, with cysteine, which is neutral and slightly polar, at codon 606 of the IGHMBP2 protein (p.Arg606Cys). This variant is present in population databases (rs536556753, gnomAD 0.007%). This variant has not been reported in the literature in individuals affected with IGHMBP2-related conditions. ClinVar contains an entry for this variant (Variation ID: 882605). Invitae Evidence Modeling of protein sequence and biophysical properties (such as structural, functional, and spatial information, amino acid conservation, physicochemical variation, residue mobility, and thermodynamic stability) has been performed for this missense variant. However, the output from this modeling did not meet the statistical confidence thresholds required to predict the impact of this variant on IGHMBP2 protein function. This variant disrupts the p.Arg606 amino acid residue in IGHMBP2. Other variant(s) that disrupt this residue have been determined to be pathogenic (PMID: 24022109). This suggests that this residue is clinically significant, and that variants that disrupt this residue are likely to be disease-causing. In summary, the available evidence is currently insufficient to determine the role of this variant in disease. Therefore, it has been classified as a Variant of Uncertain Significance.

Ambry Genetics
Classification: Uncertain significance for Inborn genetic diseases. Last evaluated: 2023-10-10. Review status: criteria provided, single submitter. Criteria: Ambry Variant Classification Scheme 2023. Collection method: clinical testing. Allele origin: germline.

ARUP Laboratories, Molecular Genetics and Genomics, ARUP Laboratories
Classification: Uncertain significance. Last evaluated: 2022-02-05. Review status: criteria provided, single submitter. Criteria: ARUP Molecular Germline Variant Investigation Process 2021. Collection method: clinical testing. Allele origin: germline.
Comment: The IGHMBP2 c.1816C>T; p.Arg606Cys variant (rs536556753), to our knowledge, is not reported in the medical literature but is reported in ClinVar (Variation ID: 882605). This variant is only observed on one allele in the Genome Aggregation Database, indicating it is not a common polymorphism. The arginine at codon 606 is highly conserved, and computational analyses predict that this variant is deleterious (REVEL: 0.724). Additionally, another variant at this codon (c.1817G>A; p.Arg606His) has been reported in the compound heterozygous state in an individual with spinal muscular atrophy (Lin 2014). However, given the lack of clinical and functional data, the significance of the p.Arg606Cys variant is uncertain at this time. References: Lin X et al. Variations of IGHMBP2 gene was not the major cause of Han Chinese patients with non-5q-spinal muscular atrophies. J Child Neurol. 2014 Aug;29(8):NP35-9. PMID: 24022109.

Illumina Laboratory Services, Illumina
Classification: Uncertain significance for Autosomal recessive distal spinal muscular atrophy 1. Last evaluated: 2018-01-13. Review status: criteria provided, single submitter. Criteria: ICSL Variant Classification Criteria 13 December 2019. Collection method: clinical testing. Allele origin: germline.

Literature cited by the submitters: PubMed 24022109 (cited by Labcorp Genetics (formerly Invitae), Labcorp).